The following is an entry in ClinVar:

ClinVar aggregate classification (germline): Pathogenic (1 of 4 stars; one submission).

Submission:

Labcorp Genetics (formerly Invitae), Labcorp
Classification: Pathogenic. Last evaluated: 2024-02-06. Review status: criteria provided, single submitter. Criteria: Invitae Variant Classification Sherloc (09022015). Collection method: clinical testing. Allele origin: germline.
Comment: This sequence change creates a premature translational stop signal (p.Phe1807*) in the MYO15A gene. It is expected to result in an absent or disrupted protein product. Loss-of-function variants in MYO15A are known to be pathogenic (PMID: 17546645). This variant is not present in population databases (gnomAD no frequency). This variant has not been reported in the literature in individuals affected with MYO15A-related conditions. ClinVar contains an entry for this variant (Variation ID: 2018327). For these reasons, this variant has been classified as Pathogenic.

Literature cited by the submitters: PubMed 17546645.

NM_016239.4(MYO15A):c.5420_5421del (p.Leu1806_Phe1807insTer)

Gene: MYO15A (myosin XVA; plus strand). Cytogenetic location: 17p11.2.
Variant type: Deletion.
Coding change: c.5420_5421del on transcript NM_016239.4 (MANE Select); coding-DNA positions 5420 to 5421, 2 bases deleted (TT; older notation c.5420_5421delTT).
Protein change: p.Leu1806_Phe1807insTer.
Molecular consequence: nonsense.
Genome position (GRCh38, 1-based): chr17:18,141,032-18,141,033, TT deleted; deleting any 2 consecutive bases within chr17:18,141,031-18,141,033 gives the same sequence; the c. name uses the placement nearest the transcript's 3' end. VCF-style (leftmost placement, unchanged base first): chr17-18141030-CTT-C. GRCh37 (hg19) VCF-style: chr17-18044344-CTT-C.
Identifiers: ClinVar variation 2018327 (VCV002018327.4), dbSNP rs2142336574, ClinGen allele CA2580092643.